The following is an entry in ClinVar:

NM_017547.4(FOXRED1):c.497del (p.Lys166fs)

Gene: FOXRED1 (FAD dependent oxidoreductase domain containing 1; plus strand). Cytogenetic location: 11q24.2.
Variant type: Deletion.
Coding change: c.497del on transcript NM_017547.4 (MANE Select); coding-DNA position 497, one base deleted (A; older notation c.497delA).
Protein change: p.Lys166fs; shifts the reading frame from lysine 166.
Molecular consequence: frameshift variant. On other transcripts: non-coding transcript variant (2).
Genome position (GRCh38, 1-based): chr11:126,273,415, A deleted; the last of 4 consecutive A bases (chr11:126,273,412-126,273,415); deleting any one gives the same sequence. VCF-style (leftmost placement, unchanged base first): chr11-126273411-GA-G. GRCh37 (hg19) VCF-style: chr11-126143306-GA-G.
Other names: c.527delA, p.Lys176Argfs (NM_001425160.1); c.497delA, p.Lys166Argfs (NM_001425161.1, NM_001425163.1, NM_001425165.1 and 2 more transcripts); c.494delA, p.Lys165Argfs (NM_001425164.1); c.-14delA (NM_001425168.1, NM_001425169.1, NM_001425170.1); c.-61delA (NM_001425171.1, NM_001425172.1); c.-42delA (NM_001425173.1, NM_001425174.1, NM_001425175.1); short protein forms K166fs.
Identifiers: ClinVar variation 2853773 (VCV002853773.3), dbSNP rs1951046310, ClinGen allele CA2616720579.
Genomic context (GRCh38, chr11:126,273,411, plus strand): 5'-GTCGATGCTCCTCCCCTGGACCTCCGGTTCAACCCCTCGGGCTACCTCTTGCTGGCTTCA[GA>G]AAAGGATGCTGCAGCCATGGAGAGCAACGTGAAAGTGCAGAGGTGGGTGCCTGGCACAGC-3'

ClinVar aggregate classification (germline): Pathogenic (1 of 4 stars; one submission).

Submission:

Labcorp Genetics (formerly Invitae), Labcorp
Classification: Pathogenic. Last evaluated: 2023-04-09. Review status: criteria provided, single submitter. Criteria: Invitae Variant Classification Sherloc (09022015). Collection method: clinical testing. Allele origin: germline.
Comment: For these reasons, this variant has been classified as Pathogenic. This variant has not been reported in the literature in individuals affected with FOXRED1-related conditions. This variant is not present in population databases (gnomAD no frequency). This sequence change creates a premature translational stop signal (p.Lys166Argfs*10) in the FOXRED1 gene. It is expected to result in an absent or disrupted protein product. Loss-of-function variants in FOXRED1 are known to be pathogenic (PMID: 20818383, 20858599).

Literature cited by the submitters: PubMed 20818383; PubMed 20858599.